The following is an entry in ClinVar:

NM_007294.4(BRCA1):c.489A>C (p.Arg163Ser)

Gene: BRCA1 (BRCA1 DNA repair associated; minus strand). Cytogenetic location: 17q21.31.
Variant type: single nucleotide variant.
Coding change: c.489A>C on transcript NM_007294.4 (MANE Select); coding-DNA position 489, A replaced by C.
Protein change: p.Arg163Ser; replaces arginine 163 with serine.
Molecular consequence: missense variant. On other transcripts: intron variant (2).
Genome position (GRCh38, 1-based): chr17:43,099,833, T>G on the plus strand (A>C on the coding strand, the complement: BRCA1 is on the minus strand). VCF-style: chr17-43099833-T-G. GRCh37 (hg19) VCF-style: chr17-41251850-T-G.
Other names: c.345A>C, p.Arg115Ser (NM_001407842.1, NM_001407843.1, NM_001407844.1 and 35 more transcripts); c.486A>C, p.Arg162Ser (NM_001407645.1, NM_001407649.1, NM_001407860.1 and 65 more transcripts); c.480A>C, p.Arg160Ser (NM_001407646.1, NM_001407647.1, NM_001408408.1); c.489A>C, p.Arg163Ser (NM_001407652.1, NM_001407648.1, NM_001407854.1 and 97 more transcripts); c.411A>C, p.Arg137Ser (NM_001407653.1, NM_001407862.1, NM_001408409.1 and 12 more transcripts); c.348A>C, p.Arg116Ser (NM_001407750.1, NM_001407751.1, NM_001407752.1 and 61 more transcripts); c.276A>C, p.Arg92Ser (NM_001407853.1, NM_001407894.1, NM_001407895.1 and 18 more transcripts); c.408A>C, p.Arg136Ser (NM_001407874.1, NM_001407875.1, NM_001408413.1 and 6 more transcripts); and 5 more; short protein forms R160S, R92S, R137S, R162S, R163S, R36S, R115S, R116S.
Identifiers: ClinVar variation 2813694 (VCV002813694.4), dbSNP rs2154529115, ClinGen allele CA10601163.

ClinVar aggregate classification (germline): Uncertain significance. Review status: criteria provided, multiple submitters, no conflicts (2 of 4 stars). 2 submissions from 2 submitters: Uncertain significance (2). Last evaluated 2025-10-24.

Conditions:
Hereditary breast ovarian cancer syndrome. Also called: Hereditary breast and ovarian cancer; Hereditary breast and ovarian cancer syndrome; Breast and ovarian cancer; BRCA1- and BRCA2-Associated Hereditary Breast and Ovarian Cancer; Hereditary breast and ovarian cancer syndrome (HBOC); Hereditary breast and/or ovarian cancer syndrome. Identifiers: Orphanet 145, MedGen C0677776, MeSH D061325, MONDO:0003582. Disease mechanism: loss of function.
Hereditary cancer-predisposing syndrome. Also called: Tumor predisposition; Hereditary Cancer Syndrome; Hereditary neoplastic syndrome; Neoplastic Syndromes, Hereditary. Identifiers: Orphanet 140162, MedGen C0027672, MeSH D009386, MONDO:0015356.

Submissions (2):

Ambry Genetics
Classification: Uncertain significance for Hereditary cancer-predisposing syndrome. Last evaluated: 2025-10-24. Review status: criteria provided, single submitter. Criteria: Ambry Variant Classification Scheme 2023. Collection method: clinical testing. Allele origin: germline.
Comment: The p.R163S variant (also known as c.489A>C), located in coding exon 6 of the BRCA1 gene, results from an A to C substitution at nucleotide position 489. The arginine at codon 163 is replaced by serine, an amino acid with dissimilar properties. This amino acid position is well conserved in available vertebrate species. In addition, this alteration is predicted to be deleterious by in silico analysis. Based on the available evidence, the clinical significance of this variant remains unclear.

Labcorp Genetics (formerly Invitae), Labcorp
Classification: Uncertain significance for Hereditary breast ovarian cancer syndrome. Last evaluated: 2024-12-12. Review status: criteria provided, single submitter. Criteria: Invitae Variant Classification Sherloc (09022015). Collection method: clinical testing. Allele origin: germline.
Comment: This sequence change replaces arginine, which is basic and polar, with serine, which is neutral and polar, at codon 163 of the BRCA1 protein (p.Arg163Ser). This variant is not present in population databases (gnomAD no frequency). This variant has not been reported in the literature in individuals affected with BRCA1-related conditions. ClinVar contains an entry for this variant (Variation ID: 2813694). Invitae Evidence Modeling of protein sequence and biophysical properties (such as structural, functional, and spatial information, amino acid conservation, physicochemical variation, residue mobility, and thermodynamic stability) indicates that this missense variant is not expected to disrupt BRCA1 protein function with a negative predictive value of 80%. In summary, the available evidence is currently insufficient to determine the role of this variant in disease. Therefore, it has been classified as a Variant of Uncertain Significance.